The following is an entry in ClinVar:

ClinVar aggregate classification (germline): Benign. Review status: criteria provided, multiple submitters, no conflicts (2 of 4 stars). 4 submissions from 4 submitters: Benign (3). 1 of the submissions does not count toward it. Last evaluated 2026-02-01.

Conditions:
SUN1-related disorder. Also called: SUN1-related condition.
Emery-Dreifuss muscular dystrophy (EDMD). Also called: Scapuloperoneal syndrome, X-linked (formerly); Humeroperoneal neuromuscular disease, (formerly). Identifiers: Orphanet 261, MedGen C0410189, MONDO:0016830.

Allele frequency attached by ClinVar (database versions not stated): 1000 Genomes Project 30x 0.02139; 1000 Genomes Project 0.02157; gnomAD exomes 0.03700 and 0.04312; ExAC 0.03817; TOPMed 0.03822; gnomAD 0.03928 and 0.04063; ESP Exome Variant Server 0.04261.

Submissions (4):

Labcorp Genetics (formerly Invitae), Labcorp
Classification: Benign for Emery-Dreifuss muscular dystrophy. Last evaluated: 2026-02-01. Review status: criteria provided, single submitter. Criteria: Invitae Variant Classification Sherloc (09022015). Collection method: clinical testing. Allele origin: germline.

Mayo Clinic Laboratories, Mayo Clinic
Classification: Benign. Last evaluated: 2022-03-23. Review status: criteria provided, single submitter. Criteria: ACMG Guidelines, 2015. Collection method: clinical testing. Allele origin: germline. Observed: 44 variant alleles.

GeneDx
Classification: Benign. Last evaluated: 2021-05-04. Review status: criteria provided, single submitter. Criteria: GeneDx Variant Classification Process June 2021. Collection method: clinical testing. Allele origin: germline. Affected: yes.

PreventionGenetics, part of Exact Sciences
Classification: Benign for SUN1-related condition. Last evaluated: 2024-09-23. Review status: no assertion criteria provided. Collection method: clinical testing. Allele origin: germline. Not counted in ClinVar's aggregate classification.
Comment: This variant is classified as benign based on ACMG/AMP sequence variant interpretation guidelines (Richards et al. 2015 PMID: 25741868, with internal and published modifications).

NM_001130965.3(SUN1):c.606C>T (p.Pro202=)

Gene: SUN1 (Sad1 and UNC84 domain containing 1; plus strand). Cytogenetic location: 7p22.3.
Variant type: single nucleotide variant.
Coding change: c.606C>T on transcript NM_001130965.3 (MANE Select); coding-DNA position 606, C replaced by T.
Protein change: p.Pro202=; no amino-acid change (proline 202 retained).
Molecular consequence: synonymous variant. On other transcripts: missense variant (1), 5 prime UTR variant (1), non-coding transcript variant (3), intron variant (1).
Genome position (GRCh38, 1-based): chr7:843,468, C>T. VCF-style: chr7-843468-C-T. GRCh37 (hg19) VCF-style: chr7-883105-C-T.
Other names: p.Pro202=; c.669C>T, p.Pro223= (NM_001171945.2); c.606C>T, p.Pro202= (NM_001171946.2, NM_001367633.1, NM_001367634.1 and 32 more transcripts); c.149C>T, p.Pro50Leu (NM_001367635.1); c.456C>T, p.Pro152= (NM_001367636.1, NM_001367644.1, NM_001367645.1 and 23 more transcripts); c.39C>T, p.Pro13= (NM_001367639.1, NM_001367708.1); c.825C>T, p.Pro275= (NM_001367651.1); c.-156C>T (NM_001367658.1); and 3 more; short protein forms P50L.
Identifiers: ClinVar variation 461662 (VCV000461662.17), dbSNP rs113652875, ClinGen allele CA4111612.